The following is an entry in ClinVar:

ClinVar aggregate classification (germline): Likely benign (1 of 4 stars; one submission).

Conditions:
SLC17A9-related disorder. Also called: SLC17A9-related condition.

gnomAD v4.1: 179 of 1,521,856 alleles (0.012%); highest among the groups gnomAD compares: East Asian, 0.21%; 2 homozygotes.

Submission:

PreventionGenetics, part of Exact Sciences
Classification: Likely benign for SLC17A9-related condition. Last evaluated: 2025-11-21. Review status: criteria provided, single submitter. Criteria: ACMG Guidelines, 2015. Collection method: clinical testing. Allele origin: germline.
Comment: This variant is classified as likely benign based on ACMG/AMP sequence variant interpretation guidelines (Richards et al. 2015 PMID: 25741868, with internal and published modifications).

NM_022082.4(SLC17A9):c.-1G>A

Gene: SLC17A9 (solute carrier family 17 member 9; plus strand). Cytogenetic location: 20q13.33.
Variant type: single nucleotide variant.
Coding change: c.-1G>A on transcript NM_022082.4 (MANE Select); 1 bases upstream of the start codon, G replaced by A.
Molecular consequence: 5 prime UTR variant.
Genome position (GRCh38, 1-based): chr20:62,952,830, G>A. VCF-style: chr20-62952830-G-A. GRCh37 (hg19) VCF-style: chr20-61584182-G-A.
Other names: c.-81G>A (NM_001302643.2).
Identifiers: ClinVar variation 4980349 (VCV004980349.1).